The following is an entry in ClinVar:

NM_014727.3(KMT2B):c.4101G>C (p.Lys1367Asn)

Gene: KMT2B (lysine methyltransferase 2B; plus strand). Cytogenetic location: 19q13.12.
Variant type: single nucleotide variant.
Coding change: c.4101G>C on transcript NM_014727.3 (MANE Select); coding-DNA position 4101, G replaced by C.
Protein change: p.Lys1367Asn; replaces lysine 1367 with asparagine.
Molecular consequence: missense variant.
Genome position (GRCh38, 1-based): chr19:35,727,253, G>C. VCF-style: chr19-35727253-G-C. GRCh37 (hg19) VCF-style: chr19-36218154-G-C.
Other names: short protein forms K1367N.
Identifiers: ClinVar variation 3365989 (VCV003365989.3).
Genomic context (GRCh38, chr19:35,727,253, plus strand): 5'-CAACGACTATGAGAGCAAGATGATGCAGTGCGCACAGTGCGATCACTGGGTGCATGCCAA[G>C]TGCGAGGGGCTCTCAGGTGAGTCAGTGGAGCACCTGGGCTGCAGCCTCAACCCTGTGGGG-3'
Protein context (NP_055542.1, residues 1357-1377): CAQCDHWVHA[Lys1367Asn]CEGLSDEDYE

ClinVar aggregate classification (germline): Uncertain significance. Review status: criteria provided, multiple submitters, no conflicts (2 of 4 stars). 2 submissions from 2 submitters: Uncertain significance (2). Last evaluated 2026-01-09.

Submissions (2):

GeneDx
Classification: Uncertain significance. Last evaluated: 2026-01-09. Review status: criteria provided, single submitter. Criteria: GeneDx Variant Classification Process June 2021. Collection method: clinical testing. Allele origin: germline.
Comment: Not observed at significant frequency in large population cohorts (gnomAD); In silico analysis supports that this missense variant has a deleterious effect on protein structure/function; Has not been previously published as pathogenic or benign to our knowledge

Labcorp Genetics (formerly Invitae), Labcorp
Classification: Uncertain significance. Last evaluated: 2025-11-03. Review status: criteria provided, single submitter. Criteria: Invitae Variant Classification Sherloc (09022015). Collection method: clinical testing. Allele origin: germline.
Comment: This sequence change replaces lysine, which is basic and polar, with asparagine, which is neutral and polar, at codon 1367 of the KMT2B protein (p.Lys1367Asn). This variant is not present in population databases (gnomAD no frequency). This variant has not been reported in the literature in individuals affected with KMT2B-related conditions. ClinVar contains an entry for this variant (Variation ID: 3365989). Invitae Evidence Modeling of protein sequence and biophysical properties (such as structural, functional, and spatial information, amino acid conservation, physicochemical variation, residue mobility, and thermodynamic stability) indicates that this missense variant is expected to disrupt KMT2B protein function with a positive predictive value of 80%. In summary, the available evidence is currently insufficient to determine the role of this variant in disease. Therefore, it has been classified as a Variant of Uncertain Significance.